The following is an entry in ClinVar:

NM_001365951.3(KIF1B):c.3100A>G (p.Ile1034Val)

Gene: KIF1B (kinesin family member 1B; plus strand). Cytogenetic location: 1p36.22.
Variant type: single nucleotide variant.
Coding change: c.3100A>G on transcript NM_001365951.3 (MANE Select); coding-DNA position 3100, A replaced by G.
Protein change: p.Ile1034Val; replaces isoleucine 1034 with valine.
Molecular consequence: missense variant.
Genome position (GRCh38, 1-based): chr1:10,336,713, A>G. VCF-style: chr1-10336713-A-G. GRCh37 (hg19) VCF-style: chr1-10396771-A-G.
Other names: c.3100A>G, p.Ile1034Val (NM_001365952.1); c.2962A>G, p.Ile988Val (NM_015074.3); short protein forms I1034V, I988V.
Identifiers: ClinVar variation 3226429 (VCV003226429.1), dbSNP rs1186784944, ClinGen allele CA338339407.

ClinVar aggregate classification (germline): Uncertain significance (1 of 4 stars; one submission).

Allele frequency attached by ClinVar (database versions not stated): gnomAD exomes below 0.00001.

Submission:

Ambry Genetics
Classification: Uncertain significance. Last evaluated: 2023-11-14. Review status: criteria provided, single submitter. Criteria: Ambry Variant Classification Scheme 2023. Collection method: clinical testing. Allele origin: germline.
Comment: The p.I988V variant (also known as c.2962A>G), located in coding exon 26 of the KIF1B gene, results from an A to G substitution at nucleotide position 2962. The isoleucine at codon 988 is replaced by valine, an amino acid with highly similar properties. This amino acid position is highly conserved in available vertebrate species. In addition, the in silico prediction for this alteration is inconclusive. Since supporting evidence is limited at this time, the clinical significance of this alteration remains unclear.